The following is an entry in ClinVar:

NM_020810.3(TRMT5):c.728T>C (p.Ile243Thr)

Gene: TRMT5 (tRNA methyltransferase 5; minus strand). Cytogenetic location: 14q23.1.
Variant type: single nucleotide variant.
Coding change: c.728T>C on transcript NM_020810.3 (MANE Select); coding-DNA position 728, T replaced by C.
Protein change: p.Ile243Thr; replaces isoleucine 243 with threonine.
Molecular consequence: missense variant.
Genome position (GRCh38, 1-based): chr14:60,977,578, A>G on the plus strand (T>C on the coding strand, the complement: TRMT5 is on the minus strand). VCF-style: chr14-60977578-A-G. GRCh37 (hg19) VCF-style: chr14-61444296-A-G.
Other names: c.812T>C, p.Ile271Thr (NM_001350253.1); c.809T>C, p.Ile270Thr (NM_001350254.1); short protein forms I243T, I270T, I271T.
Identifiers: ClinVar variation 2104382 (VCV002104382.4), dbSNP rs2502988710, ClinGen allele CA389920264.

ClinVar aggregate classification (germline): Uncertain significance (1 of 4 stars; one submission).

Submission:

Labcorp Genetics (formerly Invitae), Labcorp
Classification: Uncertain significance. Last evaluated: 2022-03-07. Review status: criteria provided, single submitter. Criteria: Invitae Variant Classification Sherloc (09022015). Collection method: clinical testing. Allele origin: germline.
Comment: This variant is not present in population databases (gnomAD no frequency). This sequence change replaces isoleucine, which is neutral and non-polar, with threonine, which is neutral and polar, at codon 243 of the TRMT5 protein (p.Ile243Thr). This variant has not been reported in the literature in individuals affected with TRMT5-related conditions. In summary, the available evidence is currently insufficient to determine the role of this variant in disease. Therefore, it has been classified as a Variant of Uncertain Significance. Algorithms developed to predict the effect of missense changes on protein structure and function (SIFT, PolyPhen-2, Align-GVGD) all suggest that this variant is likely to be disruptive.